The following is an entry in ClinVar:

ClinVar aggregate classification (germline): Uncertain significance (0 of 4 stars; one submission).

Conditions:
Deficiency of butyryl-CoA dehydrogenase (ACADSD). Also called: SCAD Deficiency; ACYL-CoA DEHYDROGENASE, SHORT-CHAIN, DEFICIENCY OF; ACADS DEFICIENCY; Short-Chain Acyl-CoA Dehydrogenase Deficiency; SCAD DEFICIENCY, MILD; SCADH DEFICIENCY. Identifiers: Orphanet 26792, MedGen C0342783, MONDO:0008722, OMIM 201470. Disease mechanism: May be benign.

Submission:

Neonatal Disease Screening Center, Medical Genetics Center, Huaihua City Maternal and Child Health Care Hospital
Classification: Uncertain significance for Deficiency of butyryl-CoA dehydrogenase. Review status: no assertion criteria provided. Criteria: ACMG Guidelines, 2015. Collection method: clinical testing. Allele origin: germline. Affected: yes. Observed: 1 variant allele.
Comment: PM2_P+PP4

NM_000017.4(ACADS):c.79A>C (p.Thr27Pro)

Gene: ACADS (acyl-CoA dehydrogenase short chain; plus strand). Cytogenetic location: 12q24.31.
Variant type: single nucleotide variant.
Coding change: c.79A>C on transcript NM_000017.4 (MANE Select); coding-DNA position 79, A replaced by C.
Protein change: p.Thr27Pro; replaces threonine 27 with proline.
Molecular consequence: missense variant.
Genome position (GRCh38, 1-based): chr12:120,727,058, A>C. VCF-style: chr12-120727058-A-C. GRCh37 (hg19) VCF-style: chr12-121164861-A-C.
Other names: c.79A>C, p.Thr27Pro (NM_001302554.2); short protein forms T27P.
Identifiers: ClinVar variation 3061796 (VCV003061796.2), dbSNP rs1206615610, ClinGen allele CA386612839.